The following is an entry in ClinVar:

ClinVar aggregate classification (germline): Likely benign. Review status: criteria provided, multiple submitters, no conflicts (2 of 4 stars). 3 submissions from 3 submitters: Likely benign (2). 1 of the submissions does not count toward it. Last evaluated 2025-07-08.

Conditions:
MYO18B-related disorder. Also called: MYO18B-related condition.

Allele frequency attached by ClinVar (database versions not stated): gnomAD exomes 0.00005 and 0.00007; TOPMed 0.00007; ESP Exome Variant Server 0.00008; gnomAD 0.00009; ExAC 0.00013.
gnomAD v4.1: 95 of 1,596,598 alleles (0.006%); highest among the groups gnomAD compares: Middle Eastern, 0.12%; 1 homozygote.

Submissions (3):

Labcorp Genetics (formerly Invitae), Labcorp
Classification: Likely benign. Last evaluated: 2025-07-08. Review status: criteria provided, single submitter. Criteria: Invitae Variant Classification Sherloc (09022015). Collection method: clinical testing. Allele origin: germline.

Blueprint Genetics
Classification: Likely benign. Last evaluated: 2024-10-24. Review status: criteria provided, single submitter. Criteria: ACMG Guidelines, 2015. Collection method: clinical testing. Allele origin: germline.

PreventionGenetics, part of Exact Sciences
Classification: Likely benign for MYO18B-related condition. Last evaluated: 2019-05-07. Review status: no assertion criteria provided. Collection method: clinical testing. Allele origin: germline. Not counted in ClinVar's aggregate classification.
Comment: This variant is classified as likely benign based on ACMG/AMP sequence variant interpretation guidelines (Richards et al. 2015 PMID: 25741868, with internal and published modifications).

NM_032608.7(MYO18B):c.4948-7T>C

Gene: MYO18B (myosin XVIIIB; plus strand). Cytogenetic location: 22q12.1.
Variant type: single nucleotide variant.
Coding change: c.4948-7T>C on transcript NM_032608.7 (MANE Select); 7 bases into the intron before coding-DNA position 4948, T replaced by C.
Molecular consequence: intron variant.
Genome position (GRCh38, 1-based): chr22:25,903,624, T>C. VCF-style: chr22-25903624-T-C. GRCh37 (hg19) VCF-style: chr22-26299591-T-C.
Other names: c.4948-7T>C (NM_032608.6); c.4951-7T>C (NM_001318245.2).
Identifiers: ClinVar variation 1528510 (VCV001528510.11), dbSNP rs371880664, ClinGen allele CA10161036.